The following is an entry in ClinVar:

NM_000179.3(MSH6):c.943del (p.Ser315fs)

Gene: MSH6 (mutS homolog 6; plus strand). Cytogenetic location: 2p16.3.
Variant type: Deletion.
Coding change: c.943del on transcript NM_000179.3 (MANE Select); coding-DNA position 943, one base deleted (T; older notation c.943delT).
Protein change: p.Ser315fs; shifts the reading frame from serine 315.
Molecular consequence: frameshift variant. On other transcripts: non-coding transcript variant (4), intron variant (1).
Genome position (GRCh38, 1-based): chr2:47,798,926, T deleted. VCF-style (leftmost placement, unchanged base first): chr2-47798925-CT-C. GRCh37 (hg19) VCF-style: chr2-48026064-CT-C.
Other names: c.553del, p.Ser185fs (NM_001281492.2); c.37del, p.Ser13fs (NM_001281493.2, NM_001281494.2, NM_001406811.1 and 6 more transcripts); c.1039del, p.Ser347fs (NM_001406795.1, NM_001406802.1); c.943del, p.Ser315fs (NM_001406796.1, NM_001406798.1, NM_001406800.1 and 4 more transcripts); c.646del, p.Ser216fs (NM_001406797.1, NM_001406801.1, NM_001406805.1 and 10 more transcripts); c.418del, p.Ser140fs (NM_001406799.1, NM_001406806.1, NM_001406807.1); c.865del, p.Ser289fs (NM_001406804.1); c.949del, p.Ser317fs (NM_001406813.1); and 2 more; short protein forms S289fs, S347fs, S317fs, S13fs, S140fs, S185fs, S216fs, S259fs.
Identifiers: ClinVar variation 3398944 (VCV003398944.1).

ClinVar aggregate classification (germline): Pathogenic (1 of 4 stars; one submission).

Conditions:
Hereditary cancer-predisposing syndrome. Also called: Hereditary Cancer Syndrome; Tumor predisposition; Hereditary neoplastic syndrome; Neoplastic Syndromes, Hereditary. Identifiers: Orphanet 140162, MedGen C0027672, MeSH D009386, MONDO:0015356.

Submission:

Ambry Genetics
Classification: Pathogenic for Hereditary cancer-predisposing syndrome. Last evaluated: 2024-11-07. Review status: criteria provided, single submitter. Criteria: Ambry Variant Classification Scheme 2023. Collection method: clinical testing. Allele origin: germline.
Comment: The c.943delT pathogenic mutation, located in coding exon 4 of the MSH6 gene, results from a deletion of one nucleotide at nucleotide position 943, causing a translational frameshift with a predicted alternate stop codon (p.S315Lfs*23). This variant is considered to be rare based on population cohorts in the Genome Aggregation Database (gnomAD). This alteration is expected to result in loss of function by premature protein truncation or nonsense-mediated mRNA decay. As such, this alteration is interpreted as a disease-causing mutation.